The following is an entry in ClinVar:

ClinVar aggregate classification (germline): Likely pathogenic (1 of 4 stars; one submission).

Conditions:
FANCF-related disorder. Also called: FANCF-related condition.

Submission:

PreventionGenetics, part of Exact Sciences
Classification: Likely pathogenic for FANCF-related condition. Last evaluated: 2023-02-24. Review status: criteria provided, single submitter. Criteria: ACMG Guidelines, 2015. Collection method: clinical testing. Allele origin: germline.
Comment: The FANCF c.205G>T variant is predicted to result in premature protein termination (p.Glu69*). To our knowledge, this variant has not been reported in the literature or in a large population database, indicating this variant is rare. Nonsense variants in FANCF are expected to be pathogenic. This variant is interpreted as likely pathogenic.

NM_022725.4(FANCF):c.205G>T (p.Glu69Ter)

Gene: FANCF (FA complementation group F; minus strand). Cytogenetic location: 11p14.3.
Variant type: single nucleotide variant.
Coding change: c.205G>T on transcript NM_022725.4 (MANE Select); coding-DNA position 205, G replaced by T.
Protein change: p.Glu69Ter; replaces glutamic acid 69 with a stop codon.
Molecular consequence: nonsense.
Genome position (GRCh38, 1-based): chr11:22,625,606, C>A on the plus strand (G>T on the coding strand, the complement: FANCF is on the minus strand). VCF-style: chr11-22625606-C-A. GRCh37 (hg19) VCF-style: chr11-22647152-C-A.
Other names: short protein forms E69*.
Identifiers: ClinVar variation 2630348 (VCV002630348.1), dbSNP rs1858634789, ClinGen allele CA380059501.